The following is an entry in ClinVar:

ClinVar aggregate classification (germline): Uncertain significance (1 of 4 stars; one submission).

Conditions:
Intellectual developmental disorder with or without epilepsy or cerebellar ataxia. Identifiers: MedGen C4748041, MONDO:0060745, OMIM 618060.

Submission:

3billion
Classification: Uncertain significance for Intellectual developmental disorder with or without epilepsy or cerebellar ataxia. Last evaluated: 2025-05-18. Review status: criteria provided, single submitter. Criteria: ACMG Guidelines, 2015. Collection method: clinical testing. Allele origin: germline. Affected: yes.
Comment: The variant is not observed in the gnomAD v4.1.0 dataset. Predicted Consequence/Location: Intron variant In silico tools predict the variant to alter splicing and produce an abnormal transcript [SpliceAI: 0.33 (>=0.2, moderate evidence for spliceogenicity)]. Therefore, this variant is classified as VUS according to the recommendation of ACMG/AMP guideline.

NM_134261.3(RORA):c.166+8765G>C

Gene: RORA (RAR related orphan receptor A; minus strand). Cytogenetic location: 15q22.2.
Variant type: single nucleotide variant.
Coding change: c.166+8765G>C on transcript NM_134261.3 (MANE Select); 8765 bases into the intron after coding-DNA position 166, G replaced by C.
Molecular consequence: intron variant.
Genome position (GRCh38, 1-based): chr15:61,220,288, C>G on the plus strand (G>C on the coding strand, the complement: RORA is on the minus strand). VCF-style: chr15-61220288-C-G. GRCh37 (hg19) VCF-style: chr15-61512487-C-G.
Identifiers: ClinVar variation 4854584 (VCV004854584.1).